The following is an entry in ClinVar:

NM_005866.4(SIGMAR1):c.173_175del (p.Phe58del)

Gene: SIGMAR1 (sigma receptor chaperone 1; minus strand). Cytogenetic location: 9p13.3.
Variant type: Deletion.
Coding change: c.173_175del on transcript NM_005866.4 (MANE Select); coding-DNA positions 173 to 175, 3 bases deleted (TCT; older notation c.173_175delTCT).
Protein change: p.Phe58del; deletes phenylalanine 58.
Molecular consequence: inframe deletion. On other transcripts: 5 prime UTR variant (1), non-coding transcript variant (1).
Genome position (GRCh38, 1-based): chr9:34,637,397-34,637,399, AGA deleted on the plus strand (TCT on the coding strand, the reverse complement: SIGMAR1 is on the minus strand); deleting any 3 consecutive bases within chr9:34,637,397-34,637,401 gives the same sequence; the c. name uses the placement nearest the transcript's 3' end. VCF-style (leftmost placement, unchanged base first): chr9-34637396-GAGA-G. GRCh37 (hg19) VCF-style: chr9-34637393-GAGA-G.
Other names: c.173_175del, p.Phe58del (NM_001282205.2, NM_001282208.2, NM_001282209.2 and 1 more transcripts); c.-81_-79del (NM_001282206.2); c.113_115del, p.Phe38del (NM_001282207.2); short protein forms F38del, F58del.
Identifiers: ClinVar variation 1897559 (VCV001897559.5), dbSNP rs2492826254, ClinGen allele CA2580080504.

ClinVar aggregate classification (germline): Uncertain significance (1 of 4 stars; one submission).

Conditions:
Amyotrophic lateral sclerosis type 16. Also called: AMYOTROPHIC LATERAL SCLEROSIS 16, JUVENILE. Identifiers: Orphanet 300605, MedGen C3280587, MONDO:0013715, OMIM 614373.
Autosomal recessive distal spinal muscular atrophy 2. Also called: NEURONOPATHY, DISTAL HEREDITARY MOTOR, JERASH TYPE; NEUROPATHY, DISTAL HEREDITARY MOTOR, JERASH TYPE; SPINAL MUSCULAR ATROPHY, JERASH TYPE; Hereditary motor neuropathy, Jerash type; Motor neuropathy, distal, Jerash type; NEUROPATHY, DISTAL HEREDITARY MOTOR, AUTOSOMAL RECESSIVE 2. Identifiers: Orphanet 139552, MedGen C1854023, MONDO:0011585, OMIM 605726.

Submission:

Labcorp Genetics (formerly Invitae), Labcorp
Classification: Uncertain significance for Autosomal recessive distal spinal muscular atrophy 2; Amyotrophic lateral sclerosis type 16. Last evaluated: 2021-12-21. Review status: criteria provided, single submitter. Criteria: Invitae Variant Classification Sherloc (09022015). Collection method: clinical testing. Allele origin: germline.
Comment: This variant, c.173_175del, results in the deletion of 1 amino acid(s) of the SIGMAR1 protein (p.Phe58del), but otherwise preserves the integrity of the reading frame. This variant is not present in population databases (gnomAD no frequency). This variant has not been reported in the literature in individuals affected with SIGMAR1-related conditions. Experimental studies and prediction algorithms are not available or were not evaluated, and the functional significance of this variant is currently unknown. In summary, the available evidence is currently insufficient to determine the role of this variant in disease. Therefore, it has been classified as a Variant of Uncertain Significance.